The following is an entry in ClinVar:

ClinVar aggregate classification (germline): Conflicting classifications of pathogenicity. Review status: criteria provided, conflicting classifications (1 of 4 stars). 2 submissions from 2 submitters: Uncertain significance (1); Likely benign (1). Last evaluated 2024-07-15.

Conditions:
Hereditary breast ovarian cancer syndrome. Also called: Breast and ovarian cancer; BRCA1- and BRCA2-Associated Hereditary Breast and Ovarian Cancer; Hereditary breast and ovarian cancer; Hereditary breast and ovarian cancer syndrome (HBOC); Hereditary breast and/or ovarian cancer syndrome; Hereditary breast and ovarian cancer syndrome. Identifiers: Orphanet 145, MedGen C0677776, MeSH D061325, MONDO:0003582. Disease mechanism: loss of function.
Hereditary cancer-predisposing syndrome. Also called: Neoplastic Syndromes, Hereditary; Tumor predisposition; Hereditary Cancer Syndrome; Hereditary neoplastic syndrome. Identifiers: Orphanet 140162, MedGen C0027672, MeSH D009386, MONDO:0015356.

Submissions (2):

Labcorp Genetics (formerly Invitae), Labcorp
Classification: Uncertain significance for Hereditary breast ovarian cancer syndrome. Last evaluated: 2024-07-15. Review status: criteria provided, single submitter. Criteria: Invitae Variant Classification Sherloc (09022015). Collection method: clinical testing. Allele origin: germline.
Comment: This sequence change replaces isoleucine, which is neutral and non-polar, with methionine, which is neutral and non-polar, at codon 449 of the BRCA2 protein (p.Ile449Met). This variant is not present in population databases (gnomAD no frequency). This variant has not been reported in the literature in individuals affected with BRCA2-related conditions. ClinVar contains an entry for this variant (Variation ID: 648986). Advanced modeling of protein sequence and biophysical properties (such as structural, functional, and spatial information, amino acid conservation, physicochemical variation, residue mobility, and thermodynamic stability) performed at Invitae indicates that this missense variant is not expected to disrupt BRCA2 protein function with a negative predictive value of 95%. In summary, the available evidence is currently insufficient to determine the role of this variant in disease. Therefore, it has been classified as a Variant of Uncertain Significance.

University of Washington Department of Laboratory Medicine, University of Washington
Classification: Likely benign for Hereditary cancer-predisposing syndrome. Last evaluated: 2023-03-23. Review status: criteria provided, single submitter. Criteria: Dines et al. (Genet Med. 2020). Collection method: curation. Allele origin: germline.
Comment: Missense variant in a coldspot region where missense variants are very unlikely to be pathogenic (PMID:31911673).

BRCA2 exon 10 coldspot. Reclassification based on statistical prior probability.

NM_000059.4(BRCA2):c.1347T>G (p.Ile449Met)

Gene: BRCA2 (BRCA2 DNA repair associated; plus strand). Cytogenetic location: 13q13.1.
Variant type: single nucleotide variant.
Coding change: c.1347T>G on transcript NM_000059.4 (MANE Select); coding-DNA position 1347, T replaced by G.
Protein change: p.Ile449Met; replaces isoleucine 449 with methionine.
Molecular consequence: missense variant.
Genome position (GRCh38, 1-based): chr13:32,332,825, T>G. VCF-style: chr13-32332825-T-G. GRCh37 (hg19) VCF-style: chr13-32906962-T-G.
Other names: short protein forms I449M.
Identifiers: ClinVar variation 648986 (VCV000648986.10), dbSNP rs755908353, ClinGen allele CA387762758.
Genomic context (GRCh38, chr13:32,332,825, plus strand): 5'-AGACACAGAGAACAAAAGAAAGAAAGATTTTCTTACTTCAGAGAATTCTTTGCCACGTAT[T>G]TCTAGCCTACCAAAATCAGAGAAGCCATTAAATGAGGAAACAGTGGTAAATAAGAGAGAT-3'
Protein context (NP_000050.3, residues 439-459): FLTSENSLPR[Ile449Met]SSLPKSEKPL